The following is an entry in ClinVar:

ClinVar aggregate classification (germline): Likely pathogenic (1 of 4 stars; one submission).

Submission:

GeneDx
Classification: Likely pathogenic. Last evaluated: 2026-06-18. Review status: criteria provided, single submitter. Criteria: GeneDx Variant Classification Process June 2021. Collection method: clinical testing. Allele origin: germline.
Comment: Not observed at significant frequency in large population cohorts (gnomAD); In silico analysis supports that this missense variant has a deleterious effect on protein structure/function; Has not been previously published as pathogenic or benign to our knowledge

NM_002764.4(PRPS1):c.493T>C (p.Cys165Arg)

Gene: PRPS1 (phosphoribosyl pyrophosphate synthetase 1; plus strand). Cytogenetic location: Xq22.3.
Variant type: single nucleotide variant.
Coding change: c.493T>C on transcript NM_002764.4 (MANE Select); coding-DNA position 493, T replaced by C.
Protein change: p.Cys165Arg; replaces cysteine 165 with arginine.
Molecular consequence: missense variant. On other transcripts: intron variant (1).
Genome position (GRCh38, 1-based): chrX:107,642,453, T>C. VCF-style: chrX-107642453-T-C. GRCh37 (hg19) VCF-style: chrX-106885683-T-C.
Other names: c.-82-2724T>C (NM_001204402.2); short protein forms C165R.
Identifiers: ClinVar variation 3381567 (VCV003381567.2).
Genomic context (GRCh38, chrX:107,642,453, plus strand): 5'-TTGTATGCAGAGCCGGCTGTCCTAAAGTGGATAAGGGAGAATATCTCTGAGTGGAGGAAC[T>C]GCACTATTGTCTCACCTGATGCTGGTGGAGCTAAGAGGTATGGTTGAAATTAGTATTGTT-3'
Protein context (NP_002755.1, residues 155-175): IRENISEWRN[Cys165Arg]TIVSPDAGGA